The following is an entry in ClinVar:

ClinVar aggregate classification (germline): Likely benign (1 of 4 stars; one submission).

Submission:

CeGaT Center for Human Genetics Tuebingen
Classification: Likely benign. Last evaluated: 2023-08-01. Review status: criteria provided, single submitter. Criteria: CeGaT Center For Human Genetics Tuebingen Variant Classification Criteria Version 2. Collection method: clinical testing. Allele origin: germline. Affected: yes. Observed: 1 variant allele.
Comment: GAA: PM2:Supporting, BP4, BP7

NM_000152.5(GAA):c.2455C>A (p.Arg819=)

Gene: GAA (alpha glucosidase; plus strand). Cytogenetic location: 17q25.3.
Variant type: single nucleotide variant.
Coding change: c.2455C>A on transcript NM_000152.5 (MANE Select); coding-DNA position 2455, C replaced by A.
Protein change: p.Arg819=; no amino-acid change (arginine 819 retained).
Molecular consequence: synonymous variant.
Genome position (GRCh38, 1-based): chr17:80,117,723, C>A. VCF-style: chr17-80117723-C-A. GRCh37 (hg19) VCF-style: chr17-78091522-C-A.
Other names: c.2455C>A, p.Arg819= (NM_001079803.3, NM_001079804.3, NM_001406741.1 and 1 more transcripts).
Identifiers: ClinVar variation 2578802 (VCV002578802.25), dbSNP rs61736895, ClinGen allele CA502166202.